The following is an entry in ClinVar:

ClinVar aggregate classification (germline): Uncertain significance (1 of 4 stars; one submission).

Submission:

Labcorp Genetics (formerly Invitae), Labcorp
Classification: Uncertain significance. Last evaluated: 2021-10-05. Review status: criteria provided, single submitter. Criteria: Invitae Variant Classification Sherloc (09022015). Collection method: clinical testing. Allele origin: germline.
Comment: This variant is not present in population databases (ExAC no frequency). This sequence change replaces valine with phenylalanine at codon 400 of the MSH3 protein (p.Val400Phe). The valine residue is highly conserved and there is a small physicochemical difference between valine and phenylalanine. In summary, the available evidence is currently insufficient to determine the role of this variant in disease. Therefore, it has been classified as a Variant of Uncertain Significance. Algorithms developed to predict the effect of missense changes on protein structure and function (SIFT, PolyPhen-2, Align-GVGD) all suggest that this variant is likely to be disruptive. This variant has not been reported in the literature in individuals affected with MSH3-related conditions.

NM_002439.5(MSH3):c.1198G>T (p.Val400Phe)

Gene: MSH3 (mutS homolog 3; plus strand). Cytogenetic location: 5q14.1.
Variant type: single nucleotide variant.
Coding change: c.1198G>T on transcript NM_002439.5 (MANE Select); coding-DNA position 1198, G replaced by T.
Protein change: p.Val400Phe; replaces valine 400 with phenylalanine.
Molecular consequence: missense variant.
Genome position (GRCh38, 1-based): chr5:80,678,951, G>T. VCF-style: chr5-80678951-G-T. GRCh37 (hg19) VCF-style: chr5-79974770-G-T.
Other names: short protein forms V400F.
Identifiers: ClinVar variation 1494470 (VCV001494470.6), dbSNP rs1749902892, ClinGen allele CA360268862.